The following is an entry in ClinVar:

NM_012186.3(FOXE3):c.254C>G (p.Ala85Gly)

Genes: FOXE3 (forkhead box E3; plus strand), LINC01389 (long independently transcribed non-coding RNA 1389; minus strand). Cytogenetic location: 1p33.
Variant type: single nucleotide variant.
Coding change: c.254C>G on transcript NM_012186.3 (MANE Select); coding-DNA position 254, C replaced by G.
Protein change: p.Ala85Gly; replaces alanine 85 with glycine.
Molecular consequence: missense variant.
Genome position (GRCh38, 1-based): chr1:47,416,569, C>G. VCF-style: chr1-47416569-C-G. GRCh37 (hg19) VCF-style: chr1-47882241-C-G.
Other names: short protein forms A85G.
Identifiers: ClinVar variation 3758791 (VCV003758791.2).

ClinVar aggregate classification (germline): Uncertain significance (1 of 4 stars; one submission).

Conditions:
Congenital primary aphakia. Also called: Anterior segment dysgenesis 2, multiple subtypes; ANTERIOR SEGMENT DYSGENESIS 2. Identifiers: Orphanet 83461, MedGen C1853230, MONDO:0012456, OMIM 610256.
Anterior segment dysgenesis. Also called: Ocular anterior segment dysgenesis. Identifiers: Orphanet 88632, MedGen C1862839, MONDO:0019503, HP:0007700.

Submission:

Labcorp Genetics (formerly Invitae), Labcorp
Classification: Uncertain significance for Anterior segment dysgenesis; Congenital primary aphakia. Last evaluated: 2024-04-09. Review status: criteria provided, single submitter. Criteria: Invitae Variant Classification Sherloc (09022015). Collection method: clinical testing. Allele origin: germline.
Comment: This sequence change replaces alanine, which is neutral and non-polar, with glycine, which is neutral and non-polar, at codon 85 of the FOXE3 protein (p.Ala85Gly). This variant is not present in population databases (gnomAD no frequency). This variant has not been reported in the literature in individuals affected with FOXE3-related conditions. Advanced modeling of protein sequence and biophysical properties (such as structural, functional, and spatial information, amino acid conservation, physicochemical variation, residue mobility, and thermodynamic stability) has been performed at Invitae for this missense variant, however the output from this modeling did not meet the statistical confidence thresholds required to predict the impact of this variant on FOXE3 protein function. In summary, the available evidence is currently insufficient to determine the role of this variant in disease. Therefore, it has been classified as a Variant of Uncertain Significance.